The following is an entry in ClinVar:

NM_020738.4(KIDINS220):c.3246C>A (p.Leu1082=)

Gene: KIDINS220 (kinase D interacting substrate 220; minus strand). Cytogenetic location: 2p25.1.
Variant type: single nucleotide variant.
Coding change: c.3246C>A on transcript NM_020738.4 (MANE Select); coding-DNA position 3246, C replaced by A.
Protein change: p.Leu1082=; no amino-acid change (leucine 1082 retained).
Molecular consequence: synonymous variant. On other transcripts: non-coding transcript variant (2).
Genome position (GRCh38, 1-based): chr2:8,750,280, G>T on the plus strand (C>A on the coding strand, the complement: KIDINS220 is on the minus strand). VCF-style: chr2-8750280-G-T. GRCh37 (hg19) VCF-style: chr2-8890410-G-T.
Other names: c.3249C>A, p.Leu1083= (NM_001348729.2, NM_001348731.2, NM_001348734.2 and 2 more transcripts); c.3246C>A, p.Leu1082= (NM_001348732.2, NM_001348735.2, NM_001348738.2 and 3 more transcripts); c.3120C>A, p.Leu1040= (NM_001348736.2).
Identifiers: ClinVar variation 3345489 (VCV003345489.1).
Genomic context (GRCh38, chr2:8,750,280, plus strand): 5'-GCACACGGATGGGGGCTGGCTGTACCCTGATGGCGCCCTAGGAGGACCCTCATGTAGAGG[G>T]AGCGGGGGGTACGCCAGTCCTCCAATACTGATCTGCTCTCTGGCAGCACGAACATCTGAA-3'
Protein context (NP_065789.1, residues 1072-1092): ISIGGLAYPP[Leu1082=]PLHEGPPRAP

ClinVar aggregate classification (germline): Likely benign (0 of 4 stars; one submission).

Conditions:
KIDINS220-related disorder. Also called: KIDINS220-related condition.

Submission:

PreventionGenetics, part of Exact Sciences
Classification: Likely benign for KIDINS220-related condition. Last evaluated: 2024-07-17. Review status: no assertion criteria provided. Collection method: clinical testing. Allele origin: germline.
Comment: This variant is classified as likely benign based on ACMG/AMP sequence variant interpretation guidelines (Richards et al. 2015 PMID: 25741868, with internal and published modifications).